The following is an entry in ClinVar:

ClinVar aggregate classification (germline): Uncertain significance (1 of 4 stars; one submission).

Allele frequency attached by ClinVar (database versions not stated): gnomAD exomes below 0.00001; ExAC 0.00001; gnomAD 0.00001; TOPMed 0.00002.
gnomAD v4.1: 1 of 1,607,646 alleles (0.000062%); highest among the groups gnomAD compares: African/African-American, 0.0013%; no homozygotes.

Submission:

Labcorp Genetics (formerly Invitae), Labcorp
Classification: Uncertain significance. Last evaluated: 2025-11-17. Review status: criteria provided, single submitter. Criteria: Invitae Variant Classification Sherloc (09022015). Collection method: clinical testing. Allele origin: germline.
Comment: This sequence change replaces serine, which is neutral and polar, with cysteine, which is neutral and slightly polar, at codon 769 of the SLC7A14 protein (p.Ser769Cys). This variant is present in population databases (rs751070707, gnomAD 0.007%). This variant has not been reported in the literature in individuals affected with SLC7A14-related conditions. ClinVar contains an entry for this variant (Variation ID: 1027117). An algorithm developed to predict the effect of missense changes on protein structure and function (PolyPhen-2) suggests that this variant is likely to be tolerated. In summary, the available evidence is currently insufficient to determine the role of this variant in disease. Therefore, it has been classified as a Variant of Uncertain Significance.

NM_020949.3(SLC7A14):c.2306C>G (p.Ser769Cys)

Gene: SLC7A14 (solute carrier family 7 member 14; minus strand). Cytogenetic location: 3q26.2.
Variant type: single nucleotide variant.
Coding change: c.2306C>G on transcript NM_020949.3 (MANE Select); coding-DNA position 2306, C replaced by G.
Protein change: p.Ser769Cys; replaces serine 769 with cysteine.
Molecular consequence: missense variant.
Genome position (GRCh38, 1-based): chr3:170,467,065, G>C on the plus strand (C>G on the coding strand, the complement: SLC7A14 is on the minus strand). VCF-style: chr3-170467065-G-C. GRCh37 (hg19) VCF-style: chr3-170184853-G-C.
Other names: short protein forms S769C.
Identifiers: ClinVar variation 1027117 (VCV001027117.8), dbSNP rs751070707, ClinGen allele CA2701461.
Genomic context (GRCh38, chr3:170,467,065, plus strand): 5'-AAGTTACTGAAAATCAGTCATCACCATTTCTACCCACTTGTGTGTTTCTCCTACTCTGGA[G>C]AGTAATCTAACTCATCATTTGCAATCAGGGCCTCTGAGTTCTGTTTGTGTTTGCTTTTGC-3'
Protein context (NP_066000.2, residues 759-771): ALIANDELDY[Ser769Cys]PE